The following is an entry in ClinVar:

ClinVar aggregate classification (germline): Uncertain significance (1 of 4 stars; one submission).

Submission:

GeneDx
Classification: Uncertain significance. Last evaluated: 2020-04-09. Review status: criteria provided, single submitter. Criteria: GeneDx Variant Classification Process June 2021. Collection method: clinical testing. Allele origin: germline. Affected: yes.
Comment: Not observed in large population cohorts (Lek et al., 2016); In silico analysis, which includes protein predictors and evolutionary conservation, supports that this variant does not alter protein structure/function; Has not been previously published as pathogenic or benign to our knowledge

NM_001349253.2(SCN11A):c.1982T>C (p.Leu661Pro)

Gene: SCN11A (sodium voltage-gated channel alpha subunit 11; minus strand). Cytogenetic location: 3p22.2.
Variant type: single nucleotide variant.
Coding change: c.1982T>C on transcript NM_001349253.2 (MANE Select); coding-DNA position 1982, T replaced by C.
Protein change: p.Leu661Pro; replaces leucine 661 with proline.
Molecular consequence: missense variant.
Genome position (GRCh38, 1-based): chr3:38,899,934, A>G on the plus strand (T>C on the coding strand, the complement: SCN11A is on the minus strand). VCF-style: chr3-38899934-A-G. GRCh37 (hg19) VCF-style: chr3-38941425-A-G.
Other names: c.1982T>C, p.Leu661Pro (NM_014139.3); short protein forms L661P.
Identifiers: ClinVar variation 1308734 (VCV001308734.2), dbSNP rs2126120934, ClinGen allele CA352161239.